The following is an entry in ClinVar:

ClinVar aggregate classification (germline): Uncertain significance (1 of 4 stars; one submission).

gnomAD v4.1: 11 of 1,595,922 alleles (0.00069%); highest among the groups gnomAD compares: African/African-American, 0.0055%; no homozygotes.

Submission:

Labcorp Genetics (formerly Invitae), Labcorp
Classification: Uncertain significance. Last evaluated: 2022-06-08. Review status: criteria provided, single submitter. Criteria: Invitae Variant Classification Sherloc (09022015). Collection method: clinical testing. Allele origin: germline.
Comment: In summary, the available evidence is currently insufficient to determine the role of this variant in disease. Therefore, it has been classified as a Variant of Uncertain Significance. Algorithms developed to predict the effect of sequence changes on RNA splicing suggest that this variant may disrupt the consensus splice site. This variant has not been reported in the literature in individuals affected with ATOH7-related conditions. This variant is present in population databases (rs111699024, gnomAD 0.009%). This sequence change affects codon 65 of the ATOH7 mRNA. It is a 'silent' change, meaning that it does not change the encoded amino acid sequence of the ATOH7 protein.

NM_145178.4(ATOH7):c.193A>C (p.Arg65=)

Gene: ATOH7 (atonal bHLH transcription factor 7; minus strand). Cytogenetic location: 10q21.3.
Variant type: single nucleotide variant.
Coding change: c.193A>C on transcript NM_145178.4 (MANE Select); coding-DNA position 193, A replaced by C.
Protein change: p.Arg65=; no amino-acid change (arginine 65 retained).
Molecular consequence: synonymous variant.
Genome position (GRCh38, 1-based): chr10:68,231,485, T>G on the plus strand (A>C on the coding strand, the complement: ATOH7 is on the minus strand). VCF-style: chr10-68231485-T-G. GRCh37 (hg19) VCF-style: chr10-69991242-T-G.
Identifiers: ClinVar variation 1918329 (VCV001918329.5), dbSNP rs111699024, ClinGen allele CA5523367.
Genomic context (GRCh38, chr10:68,231,485, plus strand): 5'-CCATCTGCAGGGTCTCGTACTTGGACAGCTTTTTATCCTGGCCCCACTGGGGAACCACCC[T>G]GCGTAAGCGGTCGAAGGCAGTGTTGAGCCCCTGCATGCGGCGGCGCTCGCGCGCGTTGGC-3'
Protein context (NP_660161.1, residues 55-75): GLNTAFDRLR[Arg65=]VVPQWGQDKK